The following is an entry in ClinVar:

NM_000138.5(FBN1):c.4605T>G (p.Tyr1535Ter)

Gene: FBN1 (fibrillin 1; minus strand). Cytogenetic location: 15q21.1.
Variant type: single nucleotide variant.
Coding change: c.4605T>G on transcript NM_000138.5 (MANE Select); coding-DNA position 4605, T replaced by G.
Protein change: p.Tyr1535Ter; replaces tyrosine 1535 with a stop codon.
Molecular consequence: nonsense.
Genome position (GRCh38, 1-based): chr15:48,468,080, A>C on the plus strand (T>G on the coding strand, the complement: FBN1 is on the minus strand). VCF-style: chr15-48468080-A-C. GRCh37 (hg19) VCF-style: chr15-48760277-A-C.
Other names: c.4605T>G, p.Tyr1535Ter (NM_001406716.1); short protein forms Y1535*.
Identifiers: ClinVar variation 3230419 (VCV003230419.3), dbSNP rs2505501994, ClinGen allele CA392353141.

ClinVar aggregate classification (germline): Pathogenic. Review status: criteria provided, multiple submitters, no conflicts (2 of 4 stars). 2 submissions from 2 submitters: Pathogenic (2). Last evaluated 2024-09-04.

Conditions:
Marfan syndrome (MFS). Also called: MARFAN SYNDROME, TYPE I; Marfan syndrome type 1; Marfan's syndrome; Marfan syndrome, classic; FBN1-Related Marfan Syndrome. Identifiers: Orphanet 284963, Orphanet 558, MedGen C0024796, MONDO:0007947, OMIM 154700.
Familial thoracic aortic aneurysm and aortic dissection (TAAD). Also called: Thoracic aortic aneurysms and dissections. Identifiers: Orphanet 91387, MedGen C4707243, MONDO:0019625.

Submissions (2):

Labcorp Genetics (formerly Invitae), Labcorp
Classification: Pathogenic for Marfan syndrome; Familial thoracic aortic aneurysm and aortic dissection. Last evaluated: 2024-09-04. Review status: criteria provided, single submitter. Criteria: Invitae Variant Classification Sherloc (09022015). Collection method: clinical testing. Allele origin: germline.
Comment: This sequence change creates a premature translational stop signal (p.Tyr1535*) in the FBN1 gene. It is expected to result in an absent or disrupted protein product. Loss-of-function variants in FBN1 are known to be pathogenic (PMID: 17657824, 19293843). This variant is not present in population databases (gnomAD no frequency). This premature translational stop signal has been observed in individual(s) with Marfan syndrome (PMID: 26787436). For these reasons, this variant has been classified as Pathogenic.

Ambry Genetics
Classification: Pathogenic for Familial thoracic aortic aneurysm and aortic dissection. Last evaluated: 2024-03-14. Review status: criteria provided, single submitter. Criteria: Ambry Variant Classification Scheme 2023. Collection method: clinical testing. Allele origin: germline.
Comment: The p.Y1535* pathogenic mutation (also known as c.4605T>G), located in coding exon 37 of the FBN1 gene, results from a T to G substitution at nucleotide position 4605. This changes the amino acid from a tyrosine to a stop codon within coding exon 37. This alteration has been reported in Marfan syndrome cohorts (Franken R et al. Eur Heart J, 2016 Nov;37:3285-3290; Groeneveld ME et al. Cardiovasc Pathol, 2018 Nov;32:44-49). This variant is considered to be rare based on population cohorts in the Genome Aggregation Database (gnomAD). In addition to the clinical data presented in the literature, this alteration is expected to result in loss of function by premature protein truncation or nonsense-mediated mRNA decay. As such, this alteration is interpreted as a disease-causing mutation.

Literature cited by the submitters: PubMed 17657824 (cited by Labcorp Genetics (formerly Invitae), Labcorp); PubMed 19293843 (cited by Labcorp Genetics (formerly Invitae), Labcorp); PubMed 26787436 (cited by Labcorp Genetics (formerly Invitae), Labcorp and Ambry Genetics); PubMed 29198452 (cited by Ambry Genetics).